The following is an entry in ClinVar:

ClinVar aggregate classification (germline): Uncertain significance (1 of 4 stars; one submission).

Conditions:
Congenital disorder of glycosylation, type Iaa. Also called: Congenital disorder of glycosylation, type 1aa. Identifiers: MedGen C4310727, MONDO:0014904, OMIM 617082.

Submission:

Labcorp Genetics (formerly Invitae), Labcorp
Classification: Uncertain significance for Congenital disorder of glycosylation, type Iaa. Last evaluated: 2022-06-29. Review status: criteria provided, single submitter. Criteria: Invitae Variant Classification Sherloc (09022015). Collection method: clinical testing. Allele origin: germline.
Comment: In summary, the available evidence is currently insufficient to determine the role of this variant in disease. Therefore, it has been classified as a Variant of Uncertain Significance. Experimental studies and prediction algorithms are not available or were not evaluated, and the functional significance of this variant is currently unknown. This variant has not been reported in the literature in individuals affected with NUS1-related conditions. This variant is not present in population databases (gnomAD no frequency). This variant, c.93_101delinsAGCCAGGAACTGGAT, is a complex sequence change that results in the deletion of 3 and insertion of 5 amino acid(s) in the NUS1 protein (p.Thr32_Asn34delinsAlaArgAsnTrpIle).

NM_138459.5(NUS1):c.93_101delinsAGCCAGGAACTGGAT (p.Thr32_Asn34delinsAlaArgAsnTrpIle)

Gene: NUS1 (NUS1 dehydrodolichyl diphosphate synthase subunit; plus strand). Cytogenetic location: 6q22.1.
Variant type: Indel.
Coding change: c.93_101delinsAGCCAGGAACTGGAT on transcript NM_138459.5 (MANE Select); coding-DNA positions 93 to 101, CACCTGGAA replaced by AGCCAGGAACTGGAT.
Protein change: p.Thr32_Asn34delinsAlaArgAsnTrpIle.
Molecular consequence: inframe indel.
Genome position (GRCh38, 1-based): chr6:117,675,763-117,675,771, CACCTGGAA replaced by AGCCAGGAACTGGAT. VCF-style: chr6-117675763-CACCTGGAA-AGCCAGGAACTGGAT. GRCh37 (hg19) VCF-style: chr6-117996926-CACCTGGAA-AGCCAGGAACTGGAT.
Identifiers: ClinVar variation 2162836 (VCV002162836.4), dbSNP rs2481982584, ClinGen allele CA2580074825.